The following is an entry in ClinVar:

NM_177438.3(DICER1):c.897_901del (p.Lys300fs)

Gene: DICER1 (dicer 1, ribonuclease III; minus strand). Cytogenetic location: 14q32.13.
Variant type: Deletion.
Coding change: c.897_901del on transcript NM_177438.3 (MANE Select); coding-DNA positions 897 to 901, 5 bases deleted (GAAAC; older notation c.897_901delGAAAC).
Protein change: p.Lys300fs; shifts the reading frame from lysine 300.
Molecular consequence: frameshift variant. On other transcripts: 5 prime UTR variant (1), non-coding transcript variant (6).
Genome position (GRCh38, 1-based): chr14:95,126,582-95,126,586, GTTTC deleted on the plus strand (GAAAC on the coding strand, the reverse complement: DICER1 is on the minus strand); deleting any 5 consecutive bases within chr14:95,126,582-95,126,587 gives the same sequence; the c. name uses the placement nearest the transcript's 3' end. VCF-style (leftmost placement, unchanged base first): chr14-95126581-TGTTTC-T. GRCh37 (hg19) VCF-style: chr14-95592918-TGTTTC-T.
Other names: c.897_901del, p.Lys300fs (NM_001195573.1, NM_001271282.3, NM_001291628.2 and 14 more transcripts); c.615_619del, p.Lys206fs (NM_001395686.1); c.492_496del, p.Lys165fs (NM_001395687.1, NM_001395688.1, NM_001395689.1 and 3 more transcripts); c.330_334del, p.Lys111fs (NM_001395691.1); c.-672_-668del (NM_001395697.1); short protein forms K111fs, K165fs, K206fs, K300fs.
Identifiers: ClinVar variation 4849981 (VCV004849981.1).

ClinVar aggregate classification (germline): Likely pathogenic (1 of 4 stars; one submission).

Conditions:
Autosomal dominant DICER1-related disorders.

Submission:

Variantyx, Inc.
Classification: Likely pathogenic for Autosomal dominant DICER1-related disorders. Last evaluated: 2026-01-21. Review status: criteria provided, single submitter. Criteria: Variantyx Assertion Criteria 2022. Collection method: clinical testing. Allele origin: germline. Inheritance: Autosomal dominant inheritance. Affected: yes.
Comment: This is a frameshift variant in the DICER1 gene (OMIM: 606241). Pathogenic variants in this gene have been associated with autosomal dominant DICER1-related disorders. This variant introduces a premature termination codon in exon 7 out of 27 and is expected to result in loss of function, which is a known disease mechanism for DICER1 in this disorder (PMID:24761742;38084291) (PVS1). This variant is absent from control populations (PM2). Based on the current evidence, this variant is classified as likely pathogenic for autosomal dominant DICER1-related disorders.

Literature cited by the submitters: PubMed 24761742; PubMed 38084291.